The following is an entry in ClinVar:

ClinVar aggregate classification (germline): Uncertain significance (1 of 4 stars; one submission).

Conditions:
Orthostatic hypotension 1 (ORTHYP1). Also called: Dopamine beta-hydroxylase deficiency; Orthostatic hypotension 1, due to DBH deficiency; NORADRENALINE DEFICIENCY; NOREPINEPHRINE DEFICIENCY. Identifiers: Orphanet 230, MedGen C4746777, MONDO:0009123, OMIM 223360.

Allele frequency attached by ClinVar (database versions not stated): gnomAD exomes below 0.00001; gnomAD 0.00001; TOPMed 0.00001.
gnomAD v4.1: 2 of 1,614,066 alleles (0.00012%); highest among the groups gnomAD compares: Admixed American, 0.0017%; no homozygotes.

Submission:

Labcorp Genetics (formerly Invitae), Labcorp
Classification: Uncertain significance for Orthostatic hypotension 1. Last evaluated: 2019-03-19. Review status: criteria provided, single submitter. Criteria: Invitae Variant Classification Sherloc (09022015). Collection method: clinical testing. Allele origin: germline.
Comment: This sequence change replaces leucine with phenylalanine at codon 317 of the DBH protein (p.Leu317Phe). The leucine residue is moderately conserved and there is a small physicochemical difference between leucine and phenylalanine. In summary, the available evidence is currently insufficient to determine the role of this variant in disease. Therefore, it has been classified as a Variant of Uncertain Significance. Algorithms developed to predict the effect of missense changes on protein structure and function are either unavailable or do not agree on the potential impact of this missense change (SIFT: "Deleterious"; PolyPhen-2: "Possibly Damaging"; Align-GVGD: "Class C0"). This variant has not been reported in the literature in individuals with DBH-related conditions. This variant is not present in population databases (ExAC no frequency).

NM_000787.4(DBH):c.949C>T (p.Leu317Phe)

Gene: DBH (dopamine beta-hydroxylase; plus strand). Cytogenetic location: 9q34.2.
Variant type: single nucleotide variant.
Coding change: c.949C>T on transcript NM_000787.4 (MANE Select); coding-DNA position 949, C replaced by T.
Protein change: p.Leu317Phe; replaces leucine 317 with phenylalanine.
Molecular consequence: missense variant.
Genome position (GRCh38, 1-based): chr9:133,644,245, C>T. VCF-style: chr9-133644245-C-T. GRCh37 (hg19) VCF-style: chr9-136509367-C-T.
Other names: short protein forms L317F.
Identifiers: ClinVar variation 837428 (VCV000837428.10), dbSNP rs1832155416, ClinGen allele CA375415311.